The following is an entry in ClinVar:

ClinVar aggregate classification (germline): Uncertain significance (1 of 4 stars; one submission).

Submission:

GeneDx
Classification: Uncertain significance. Last evaluated: 2025-02-14. Review status: criteria provided, single submitter. Criteria: GeneDx Variant Classification Process June 2021. Collection method: clinical testing. Allele origin: germline. Affected: yes.
Comment: Not observed at significant frequency in large population cohorts (gnomAD); In silico analysis supports that this missense variant has a deleterious effect on protein structure/function; Has not been previously published as pathogenic or benign to our knowledge

NM_001079872.2(CUL4B):c.1343A>G (p.Asp448Gly)

Gene: CUL4B (cullin 4B; minus strand). Cytogenetic location: Xq24.
Variant type: single nucleotide variant.
Coding change: c.1343A>G on transcript NM_001079872.2 (MANE Select); coding-DNA position 1343, A replaced by G.
Protein change: p.Asp448Gly; replaces aspartic acid 448 with glycine.
Molecular consequence: missense variant.
Genome position (GRCh38, 1-based): chrX:120,541,702, T>C on the plus strand (A>G on the coding strand, the complement: CUL4B is on the minus strand). VCF-style: chrX-120541702-T-C. GRCh37 (hg19) VCF-style: chrX-119675557-T-C.
Other names: c.1358A>G, p.Asp453Gly (NM_001330624.2); c.809A>G, p.Asp270Gly (NM_001369145.1); c.1397A>G, p.Asp466Gly (NM_003588.4); short protein forms D270G, D448G, D453G, D466G.
Identifiers: ClinVar variation 4075531 (VCV004075531.1).